The following is an entry in ClinVar:

ClinVar aggregate classification (germline): Uncertain significance. Review status: criteria provided, multiple submitters, no conflicts (2 of 4 stars). 3 submissions from 3 submitters: Uncertain significance (3). Last evaluated 2024-01-21.

Conditions:
Inborn genetic diseases. Identifiers: MedGen C0950123, MeSH D030342.
Charcot-Marie-Tooth disease, axonal, autosomal recessive, type 2a2b;. Also called: Charcot-Marie-Tooth disease, axonal, autosomal recessive, type 2A2B; Charcot-Marie-Tooth disease, axonal, type 2A2B. Identifiers: MedGen C4310725, MONDO:0014906, OMIM 617087.
Charcot-Marie-Tooth disease type 2. Also called: Charcot-Marie-Tooth type 2. Identifiers: Orphanet 64746, MedGen C0270914, MONDO:0018993.

Submissions (3):

Labcorp Genetics (formerly Invitae), Labcorp
Classification: Uncertain significance for Charcot-Marie-Tooth disease type 2. Last evaluated: 2024-01-21. Review status: criteria provided, single submitter. Criteria: Invitae Variant Classification Sherloc (09022015). Collection method: clinical testing. Allele origin: germline.
Comment: This variant, c.465_467del, results in the deletion of 1 amino acid(s) of the MFN2 protein (p.Arg155del), but otherwise preserves the integrity of the reading frame. This variant is not present in population databases (gnomAD no frequency). This variant has not been reported in the literature in individuals affected with MFN2-related conditions. ClinVar contains an entry for this variant (Variation ID: 1742179). Experimental studies and prediction algorithms are not available or were not evaluated, and the functional significance of this variant is currently unknown. In summary, the available evidence is currently insufficient to determine the role of this variant in disease. Therefore, it has been classified as a Variant of Uncertain Significance.

Ambry Genetics
Classification: Uncertain significance for Inborn genetic diseases. Last evaluated: 2021-02-04. Review status: criteria provided, single submitter. Criteria: Ambry Variant Classification Scheme 2023. Collection method: clinical testing. Allele origin: germline.
Comment: The c.465_467delGAG variant (also known as p.R155del) is located in coding exon 3 of the MFN2 gene. This variant results from an in-frame GAG deletion at nucleotide positions 465 to 467. This results in the in-frame deletion of an arginine at codon 155. This amino acid position is not well conserved in available vertebrate species. In addition, this alteration is predicted to be deleterious by in silico analysis (Choi Y et al. PLoS ONE. 2012; 7(10):e46688). Since supporting evidence is limited at this time, the clinical significance of this alteration remains unclear.

Neuberg Centre For Genomic Medicine, NCGM
Classification: Uncertain significance for Charcot-Marie-Tooth disease, axonal, autosomal recessive, type 2a2b;. Review status: criteria provided, single submitter. Criteria: ACMG Guidelines, 2015. Collection method: clinical testing. Allele origin: germline. Inheritance: Autosomal recessive inheritance. Affected: yes.
Comment: The inframe deletion variant c.465_467del (p.Arg155del) has not been reported previously as a pathogenic variant nor as a benign variant, to our knowledge. The p.Arg155del variant is novel (not in any individuals) in gnomAD Exomes and 1000 Genomes. This p.Arg155del causes deletion of amino acid Arginine at position 155. For these reasons, this variant has been classified as Uncertain Significance.

NM_014874.4(MFN2):c.462GAG[1] (p.Arg155del)

Gene: MFN2 (mitofusin 2; plus strand). Cytogenetic location: 1p36.22.
Variant type: Microsatellite.
Coding change: c.462GAG[1] on transcript NM_014874.4 (MANE Select); one copy of the 3-base unit GAG starting at c.462; the reference has two copies in a row; one copy, 3 bases deleted.
Protein change: p.Arg155del; deletes arginine 155.
Molecular consequence: inframe deletion. On other transcripts: inframe indel (2).
Genome position (GRCh38, 1-based): chr1:11,996,309-11,996,311, GAG deleted; deleting any 3 consecutive bases within chr1:11,996,306-11,996,311 gives the same sequence; the position shown is the placement nearest the transcript's 3' end. VCF-style (leftmost placement, unchanged base first): chr1-11996305-AGAG-A. GRCh37 (hg19) VCF-style: chr1-12056362-AGAG-A.
Other names: c.462GAG[1], p.Arg155del (NM_001127660.2); c.462_464GAG[1], p.Arg155del (NM_014874.3); c.465_467delGAG (NM_014874.3); c.465_467del (NM_001127660.1); short protein forms R155del.
Identifiers: ClinVar variation 1742179 (VCV001742179.5), dbSNP rs1213849595, ClinGen allele CA886274776.